The following is an entry in ClinVar:

ClinVar aggregate classification (germline): Likely benign. Review status: criteria provided, multiple submitters, no conflicts (2 of 4 stars). 5 submissions from 5 submitters: Likely benign (4). 1 of the submissions does not count toward it. Last evaluated 2023-12-06.

Conditions:
Fanconi anemia (FA). Also called: Fanconi's anemia. Identifiers: Orphanet 84, MedGen C0015625, MeSH D005199, MONDO:0019391.
Fanconi anemia complementation group C (FANCC). Also called: FANCONI PANCYTOPENIA, TYPE 3; FACC; FANCC-Related Fanconi Anemia; Fanconi anemia, group C. Identifiers: Orphanet 84, MedGen C3468041, MONDO:0009213, OMIM 227645.
Hereditary cancer-predisposing syndrome. Also called: Tumor predisposition; Hereditary neoplastic syndrome; Neoplastic Syndromes, Hereditary; Hereditary Cancer Syndrome. Identifiers: Orphanet 140162, MedGen C0027672, MeSH D009386, MONDO:0015356.

Allele frequency attached by ClinVar (database versions not stated): ExAC 0.00002.
gnomAD v4.1: 4 of 1,611,360 alleles (0.00025%); highest among the groups gnomAD compares: Admixed American, 0.0017%; no homozygotes.

Submissions (5):

Labcorp Genetics (formerly Invitae), Labcorp
Classification: Likely benign for Fanconi anemia. Last evaluated: 2023-12-06. Review status: criteria provided, single submitter. Criteria: Invitae Variant Classification Sherloc (09022015). Collection method: clinical testing. Allele origin: germline.

Department of Pathology and Laboratory Medicine, Sinai Health System
Classification: Likely benign for Fanconi anemia complementation group C. Last evaluated: 2020-12-29. Review status: criteria provided, single submitter. Criteria: ACMG Guidelines, 2015. Collection method: clinical testing. Allele origin: germline. Affected: yes.

Ambry Genetics
Classification: Likely benign for Hereditary cancer-predisposing syndrome. Last evaluated: 2017-07-25. Review status: criteria provided, single submitter. Criteria: Ambry Variant Classification Scheme 2023. Collection method: clinical testing. Allele origin: germline.

GeneDx
Classification: Likely benign. Last evaluated: 2016-10-12. Review status: criteria provided, single submitter. Criteria: GeneDx Variant Classification (06012015). Collection method: clinical testing. Allele origin: germline. Affected: yes.
Comment: This variant is considered likely benign or benign based on one or more of the following criteria: it is a conservative change, it occurs at a poorly conserved position in the protein, it is predicted to be benign by multiple in silico algorithms, and/or has population frequency not consistent with disease.

Natera, Inc.
Classification: Uncertain significance for Fanconi anemia, group C. Last evaluated: 2018-08-11. Review status: no assertion criteria provided. Collection method: clinical testing. Allele origin: germline. Not counted in ClinVar's aggregate classification.

NM_000136.3(FANCC):c.516A>G (p.Gln172=)

Gene: FANCC (FA complementation group C; minus strand). Cytogenetic location: 9q22.32.
Variant type: single nucleotide variant.
Coding change: c.516A>G on transcript NM_000136.3 (MANE Select); coding-DNA position 516, A replaced by G.
Protein change: p.Gln172=; no amino-acid change (glutamine 172 retained).
Molecular consequence: synonymous variant.
Genome position (GRCh38, 1-based): chr9:95,171,084, T>C on the plus strand (A>G on the coding strand, the complement: FANCC is on the minus strand). VCF-style: chr9-95171084-T-C. GRCh37 (hg19) VCF-style: chr9-97933366-T-C.
Other names: c.516A>G, p.Gln172= (NM_001243744.2, NM_001243743.2).
Identifiers: ClinVar variation 378961 (VCV000378961.13), dbSNP rs748322179, ClinGen allele CA5137715.